The following is an entry in ClinVar:

NM_000043.6(FAS):c.505+1G>C

Gene: FAS (Fas cell surface death receptor; plus strand). Cytogenetic location: 10q23.31.
Variant type: single nucleotide variant.
Coding change: c.505+1G>C on transcript NM_000043.6 (MANE Select); the canonical splice donor site of the intron after coding-DNA position 505, G replaced by C.
Molecular consequence: splice donor variant.
Genome position (GRCh38, 1-based): chr10:89,010,601, G>C. VCF-style: chr10-89010601-G-C. GRCh37 (hg19) VCF-style: chr10-90770358-G-C.
Other names: c.505+1G>C (NM_152872.4, NM_001320619.2, NM_152871.4); c.550+1G>C (NM_001410956.1).
Identifiers: ClinVar variation 1350161 (VCV001350161.8), dbSNP rs2133527951, ClinGen allele CA377509048.

ClinVar aggregate classification (germline): Likely pathogenic (1 of 4 stars; one submission).

Conditions:
Autoimmune lymphoproliferative syndrome type 1. Also called: AUTOIMMUNE LYMPHOPROLIFERATIVE SYNDROME, TYPE I, AUTOSOMAL DOMINANT. Identifiers: Orphanet 3261, MedGen C2717884, MONDO:0011158, OMIM 601859.

Submission:

Labcorp Genetics (formerly Invitae), Labcorp
Classification: Likely pathogenic for Autoimmune lymphoproliferative syndrome. Last evaluated: 2021-04-15. Review status: criteria provided, single submitter. Criteria: Invitae Variant Classification Sherloc (09022015). Collection method: clinical testing. Allele origin: germline.
Comment: This sequence change affects a donor splice site in intron 5 of the FAS gene. It is expected to disrupt RNA splicing. Variants that disrupt the donor or acceptor splice site typically lead to a loss of protein function (PMID: 16199547), and loss-of-function variants in FAS are known to be pathogenic (PMID: 10875918, 22237435). This variant is not present in population databases (ExAC no frequency). This variant has not been reported in the literature in individuals with FAS-related conditions. In summary, the currently available evidence indicates that the variant is pathogenic, but additional data are needed to prove that conclusively. Therefore, this variant has been classified as Likely Pathogenic.

Literature cited by the submitters: PubMed 16199547; PubMed 10875918; PubMed 22237435.